The following is an entry in ClinVar:

NM_001868.4(CPA1):c.335G>C (p.Arg112Pro)

Gene: CPA1 (carboxypeptidase A1; plus strand). Cytogenetic location: 7q32.2.
Variant type: single nucleotide variant.
Coding change: c.335G>C on transcript NM_001868.4 (MANE Select); coding-DNA position 335, G replaced by C.
Protein change: p.Arg112Pro; replaces arginine 112 with proline.
Molecular consequence: missense variant.
Genome position (GRCh38, 1-based): chr7:130,381,817, G>C. VCF-style: chr7-130381817-G-C. GRCh37 (hg19) VCF-style: chr7-130021658-G-C.
Other names: short protein forms R112P.
Identifiers: ClinVar variation 3496219 (VCV003496219.1).

ClinVar aggregate classification (germline): Uncertain significance (1 of 4 stars; one submission).

Conditions:
Hereditary pancreatitis (PCTT). Also called: Hereditary chronic pancreatitis; PRSS1-Related Hereditary Pancreatitis. Identifiers: Orphanet 676, MedGen C0238339, MONDO:0008185, OMIM 167800.

Submission:

Ambry Genetics
Classification: Uncertain significance for Hereditary pancreatitis. Last evaluated: 2024-10-28. Review status: criteria provided, single submitter. Criteria: Ambry Variant Classification Scheme 2023. Collection method: clinical testing. Allele origin: germline.
Comment: The p.R112P variant (also known as c.335G>C), located in coding exon 3 of the CPA1 gene, results from a G to C substitution at nucleotide position 335. The arginine at codon 112 is replaced by proline, an amino acid with dissimilar properties. This amino acid position is conserved. In addition, this alteration is predicted to be tolerated by in silico analysis. Based on the available evidence, the clinical significance of this variant remains unclear.